The following is an entry in ClinVar:

ClinVar aggregate classification (germline): Uncertain significance (1 of 4 stars; one submission).

Conditions:
Cardiovascular phenotype. Identifiers: MedGen CN230736.

Submission:

Ambry Genetics
Classification: Uncertain significance for Cardiovascular phenotype. Last evaluated: 2023-07-31. Review status: criteria provided, single submitter. Criteria: Ambry Variant Classification Scheme 2023. Collection method: clinical testing. Allele origin: germline.
Comment: The p.A1000T variant (also known as c.2998G>A), located in coding exon 21 of the MYH6 gene, results from a G to A substitution at nucleotide position 2998. The alanine at codon 1000 is replaced by threonine, an amino acid with similar properties. This amino acid position is conserved. In addition, the in silico prediction for this alteration is inconclusive. Since supporting evidence is limited at this time, the clinical significance of this alteration remains unclear.

NM_002471.4(MYH6):c.2998G>A (p.Ala1000Thr)

Gene: MYH6 (myosin heavy chain 6; minus strand). Cytogenetic location: 14q11.2.
Variant type: single nucleotide variant.
Coding change: c.2998G>A on transcript NM_002471.4 (MANE Select); coding-DNA position 2998, G replaced by A.
Protein change: p.Ala1000Thr; replaces alanine 1000 with threonine.
Molecular consequence: missense variant.
Genome position (GRCh38, 1-based): chr14:23,393,449, C>T on the plus strand (G>A on the coding strand, the complement: MYH6 is on the minus strand). VCF-style: chr14-23393449-C-T. GRCh37 (hg19) VCF-style: chr14-23862658-C-T.
Other names: short protein forms A1000T.
Identifiers: ClinVar variation 2325291 (VCV002325291.2), dbSNP rs2502169214, ClinGen allele CA389010992.